The following is an entry in ClinVar:

NM_032790.4(ORAI1):c.376T>C (p.Cys126Arg)

Gene: ORAI1 (ORAI calcium release-activated calcium modulator 1; plus strand). Cytogenetic location: 12q24.31.
Variant type: single nucleotide variant.
Coding change: c.376T>C on transcript NM_032790.4 (MANE Select); coding-DNA position 376, T replaced by C.
Protein change: p.Cys126Arg; replaces cysteine 126 with arginine.
Genome position (GRCh38, 1-based): chr12:121,641,113, T>C. VCF-style: chr12-121641113-T-C. GRCh37 (hg19) VCF-style: chr12-122079019-T-C.
Other names: short protein forms C126R.
Identifiers: ClinVar variation 850177 (VCV000850177.3), dbSNP rs1893050626, ClinGen allele CA386982999.

ClinVar aggregate classification (germline): Conflicting classifications of pathogenicity. Review status: criteria provided, conflicting classifications (1 of 4 stars). 2 submissions from 2 submitters: Likely pathogenic (1); Uncertain significance (1). Last evaluated 2022-07-22.

Conditions:
Combined immunodeficiency due to ORAI1 deficiency. Also called: IMMUNODEFICIENCY 9. Identifiers: Orphanet 169090, Orphanet 317428, MedGen C2748568, MONDO:0013007, OMIM 612782.
Myopathy, tubular aggregate, 2 (TAM2). Identifiers: MedGen C4014557, MONDO:0014383, OMIM 615883.

Allele frequency attached by ClinVar (database versions not stated): gnomAD exomes below 0.00001.

Submissions (2):

GeneDx
Classification: Likely pathogenic. Last evaluated: 2022-07-22. Review status: criteria provided, single submitter. Criteria: GeneDx Variant Classification Process June 2021. Collection method: clinical testing. Allele origin: germline. Affected: yes.
Comment: Published functional studies demonstrate a damaging effect with defective insertion into the plasma membrane and disrupted protein trafficking (Yu et al., 2021); Not observed at significant frequency in large population cohorts (gnomAD); In silico analysis supports that this missense variant has a deleterious effect on protein structure/function; This variant is associated with the following publications: (PMID: 33650027)

Labcorp Genetics (formerly Invitae), Labcorp
Classification: Uncertain significance for Myopathy, tubular aggregate, 2; Immune dysfunction with T-cell inactivation due to calcium entry defect 1. Last evaluated: 2019-12-13. Review status: criteria provided, single submitter. Criteria: Invitae Variant Classification Sherloc (09022015). Collection method: clinical testing. Allele origin: germline.
Comment: This sequence change replaces cysteine with arginine at codon 126 of the ORAI1 protein (p.Cys126Arg). The cysteine residue is highly conserved and there is a large physicochemical difference between cysteine and arginine. This variant is not present in population databases (ExAC no frequency). This variant has not been reported in the literature in individuals with ORAI1-related conditions. Algorithms developed to predict the effect of missense changes on protein structure and function are either unavailable or do not agree on the potential impact of this missense change (SIFT: "Deleterious"; PolyPhen-2: "Not Available"; Align-GVGD: "Class C0"). In summary, the available evidence is currently insufficient to determine the role of this variant in disease. Therefore, it has been classified as a Variant of Uncertain Significance.